The following is an entry in ClinVar:

ClinVar aggregate classification (germline): Uncertain significance (1 of 4 stars; one submission).

Conditions:
Parathyroid carcinoma (PRTC). Also called: Parathyroid gland carcinoma; CDC73-Related Parathyroid Carcinoma. Identifiers: Orphanet 143, MedGen C0687150, MONDO:0012004, OMIM 608266, HP:0006780.

Submission:

Labcorp Genetics (formerly Invitae), Labcorp
Classification: Uncertain significance for Parathyroid carcinoma. Last evaluated: 2024-10-18. Review status: criteria provided, single submitter. Criteria: Invitae Variant Classification Sherloc (09022015). Collection method: clinical testing. Allele origin: germline.
Comment: This sequence change replaces leucine, which is neutral and non-polar, with valine, which is neutral and non-polar, at codon 5 of the CDC73 protein (p.Leu5Val). This variant is not present in population databases (gnomAD no frequency). This variant has not been reported in the literature in individuals affected with CDC73-related conditions. Invitae Evidence Modeling of protein sequence and biophysical properties (such as structural, functional, and spatial information, amino acid conservation, physicochemical variation, residue mobility, and thermodynamic stability) indicates that this missense variant is expected to disrupt CDC73 protein function with a positive predictive value of 80%. In summary, the available evidence is currently insufficient to determine the role of this variant in disease. Therefore, it has been classified as a Variant of Uncertain Significance.

NM_024529.5(CDC73):c.13C>G (p.Leu5Val)

Gene: CDC73 (cell division cycle 73; plus strand). Cytogenetic location: 1q31.2.
Variant type: single nucleotide variant.
Coding change: c.13C>G on transcript NM_024529.5 (MANE Select); coding-DNA position 13, C replaced by G.
Protein change: p.Leu5Val; replaces leucine 5 with valine.
Molecular consequence: missense variant.
Genome position (GRCh38, 1-based): chr1:193,122,213, C>G. VCF-style: chr1-193122213-C-G. GRCh37 (hg19) VCF-style: chr1-193091343-C-G.
Other names: short protein forms L5V.
Identifiers: ClinVar variation 3701193 (VCV003701193.2).